The following is an entry in ClinVar:

ClinVar aggregate classification (germline): Likely benign. Review status: criteria provided, multiple submitters, no conflicts (2 of 4 stars). 3 submissions from 3 submitters: Likely benign (3). Last evaluated 2025-10-21.

Conditions:
Actin accumulation myopathy (CMYO2A). Also called: Nemaline myopathy type 3; Myopathy, actin, congenital, with excess of thin myofilaments; Myopathy, actin, congenital, with cores; Nemaline myopathy 3, with intranuclear rods; CONGENITAL MYOPATHY 2A, TYPICAL, AUTOSOMAL DOMINANT. Identifiers: Orphanet 98904, MedGen C3711389, MONDO:0008070, OMIM 161800.

Allele frequency attached by ClinVar (database versions not stated): gnomAD exomes 0.00002 and 0.00006; ExAC 0.00007; gnomAD 0.00024 and 0.00027; 1000 Genomes Project 30x 0.00031; TOPMed 0.00037; 1000 Genomes Project 0.00040.
gnomAD v4.1: 68 of 1,601,392 alleles (0.0042%); highest among the groups gnomAD compares: African/African-American, 0.079%; no homozygotes.

Submissions (3):

Labcorp Genetics (formerly Invitae), Labcorp
Classification: Likely benign for Actin accumulation myopathy. Last evaluated: 2025-10-21. Review status: criteria provided, single submitter. Criteria: Invitae Variant Classification Sherloc (09022015). Collection method: clinical testing. Allele origin: germline.

Blueprint Genetics
Classification: Likely benign. Last evaluated: 2020-08-17. Review status: criteria provided, single submitter. Criteria: ACMG Guidelines, 2015. Collection method: clinical testing. Allele origin: germline.

GeneDx
Classification: Likely benign. Last evaluated: 2016-03-25. Review status: criteria provided, single submitter. Criteria: GeneDx Variant Classification (06012015). Collection method: clinical testing. Allele origin: germline. Affected: yes.
Comment: This variant is considered likely benign or benign based on one or more of the following criteria: it is a conservative change, it occurs at a poorly conserved position in the protein, it is predicted to be benign by multiple in silico algorithms, and/or has population frequency not consistent with disease.

NM_001100.4(ACTA1):c.454+11G>A

Gene: ACTA1 (actin alpha 1, skeletal muscle; minus strand). Cytogenetic location: 1q42.13.
Variant type: single nucleotide variant.
Coding change: c.454+11G>A on transcript NM_001100.4 (MANE Select); 11 bases into the intron after coding-DNA position 454, G replaced by A.
Molecular consequence: intron variant.
Genome position (GRCh38, 1-based): chr1:229,432,545, C>T on the plus strand (G>A on the coding strand, the complement: ACTA1 is on the minus strand). VCF-style: chr1-229432545-C-T. GRCh37 (hg19) VCF-style: chr1-229568292-C-T.
Identifiers: ClinVar variation 384485 (VCV000384485.10), dbSNP rs551674486, ClinGen allele CA1442875.